The following is an entry in ClinVar:

NM_002519.3(NPAT):c.2240A>G (p.Asp747Gly)

Gene: NPAT (nuclear protein, coactivator of histone transcription; minus strand). Cytogenetic location: 11q22.3.
Variant type: single nucleotide variant.
Coding change: c.2240A>G on transcript NM_002519.3 (MANE Select); coding-DNA position 2240, A replaced by G.
Protein change: p.Asp747Gly; replaces aspartic acid 747 with glycine.
Molecular consequence: missense variant.
Genome position (GRCh38, 1-based): chr11:108,172,744, T>C on the plus strand (A>G on the coding strand, the complement: NPAT is on the minus strand). VCF-style: chr11-108172744-T-C. GRCh37 (hg19) VCF-style: chr11-108043471-T-C.
Other names: c.2240A>G, p.Asp747Gly (NM_001321307.1); short protein forms D747G.
Identifiers: ClinVar variation 1788272 (VCV001788272.4), dbSNP rs1293650564, ClinGen allele CA382513390.

ClinVar aggregate classification (germline): Uncertain significance. Review status: criteria provided, multiple submitters, no conflicts (2 of 4 stars). 2 submissions from 2 submitters: Uncertain significance (2). Last evaluated 2024-11-26.

Allele frequency attached by ClinVar (database versions not stated): gnomAD exomes below 0.00001.
gnomAD v4.1: 4 of 1,613,550 alleles (0.00025%); highest among the groups gnomAD compares: Admixed American, 0.0017%; no homozygotes.

Submissions (2):

Labcorp Genetics (formerly Invitae), Labcorp
Classification: Uncertain significance. Last evaluated: 2024-11-26. Review status: criteria provided, single submitter. Criteria: Invitae Variant Classification Sherloc (09022015). Collection method: clinical testing. Allele origin: germline.
Comment: This sequence change replaces aspartic acid, which is acidic and polar, with glycine, which is neutral and non-polar, at codon 747 of the NPAT protein (p.Asp747Gly). This variant is present in population databases (no rsID available, gnomAD 0.003%). This variant has not been reported in the literature in individuals affected with NPAT-related conditions. ClinVar contains an entry for this variant (Variation ID: 1788272). An algorithm developed to predict the effect of missense changes on protein structure and function (PolyPhen-2) suggests that this variant is likely to be disruptive. In summary, the available evidence is currently insufficient to determine the role of this variant in disease. Therefore, it has been classified as a Variant of Uncertain Significance.

Ambry Genetics
Classification: Uncertain significance. Last evaluated: 2023-12-16. Review status: criteria provided, single submitter. Criteria: Ambry Variant Classification Scheme 2023. Collection method: clinical testing. Allele origin: germline.
Comment: The p.D747G variant (also known as c.2240A>G), located in coding exon 13 of the NPAT gene, results from an A to G substitution at nucleotide position 2240. The aspartic acid at codon 747 is replaced by glycine, an amino acid with similar properties. This amino acid position is conserved. In addition, this alteration is predicted to be tolerated by in silico analysis. Since supporting evidence is limited at this time, the clinical significance of this alteration remains unclear.